The following is an entry in ClinVar:

NM_001267550.2(TTN):c.55578G>A (p.Trp18526Ter)

Genes: TTN (titin; minus strand), TTN-AS1 (TTN antisense RNA 1; plus strand). Cytogenetic location: 2q31.2.
Variant type: single nucleotide variant.
Coding change: c.55578G>A on transcript NM_001267550.2 (MANE Select); coding-DNA position 55578, G replaced by A.
Protein change: p.Trp18526Ter; replaces tryptophan 18526 with a stop codon.
Molecular consequence: nonsense.
Genome position (GRCh38, 1-based): chr2:178,601,419, C>T on the plus strand (G>A on the coding strand, the complement: TTN is on the minus strand). VCF-style: chr2-178601419-C-T. GRCh37 (hg19) VCF-style: chr2-179466146-C-T.
Other names: c.50655G>A, p.Trp16885Ter (NM_001256850.1); c.28383G>A, p.Trp9461Ter (NM_003319.4); c.47874G>A, p.Trp15958Ter (NM_133378.4); c.28758G>A, p.Trp9586Ter (NM_133432.3); c.28959G>A, p.Trp9653Ter (NM_133437.4); short protein forms W15958*, W16885*, W18526*, W9461*, W9586*, W9653*.
Identifiers: ClinVar variation 2444070 (VCV002444070.1), dbSNP rs2470001163, ClinGen allele CA349540134.

ClinVar aggregate classification (germline): Likely pathogenic (1 of 4 stars; one submission).

Conditions:
Dilated cardiomyopathy 1G (CMD1G). Identifiers: Orphanet 154, MedGen C1858763, MONDO:0011400, OMIM 604145.

Allele frequency attached by ClinVar (database versions not stated): gnomAD exomes below 0.00001.
gnomAD v4.1: 1 of 1,612,794 alleles (0.000062%); highest among the groups gnomAD compares: Non-Finnish European, 0.000085%; no homozygotes.

Submission:

3billion
Classification: Likely pathogenic for Dilated cardiomyopathy 1G. Last evaluated: 2023-02-23. Review status: criteria provided, single submitter. Criteria: ACMG Guidelines, 2015. Collection method: clinical testing. Allele origin: unknown. Affected: yes.
Comment: The variant is not observed in the gnomAD v2.1.1 dataset. This variant was predicted to result in a loss or disruption of normal protein function through nonsense-mediated decay (NMD) or protein truncation. Multiple pathogenic variants are reported downstream of the variant. Therefore, this variant is classified as Likely pathogenic according to the recommendation of ACMG/AMP guideline.